The following is an entry in ClinVar:

NM_033305.3(VPS13A):c.4367_4368del (p.Cys1456fs)

Gene: VPS13A (vacuolar protein sorting 13 homolog A; plus strand). Cytogenetic location: 9q21.2.
Variant type: Deletion.
Coding change: c.4367_4368del on transcript NM_033305.3 (MANE Select); coding-DNA positions 4367 to 4368, 2 bases deleted (GT; older notation c.4367_4368delGT).
Protein change: p.Cys1456fs; shifts the reading frame from cysteine 1456.
Molecular consequence: frameshift variant.
Genome position (GRCh38, 1-based): chr9:77,314,619-77,314,620, GT deleted; deleting any 2 consecutive bases within chr9:77,314,618-77,314,620 gives the same sequence; the c. name uses the placement nearest the transcript's 3' end. VCF-style (leftmost placement, unchanged base first): chr9-77314617-CTG-C. GRCh37 (hg19) VCF-style: chr9-79929533-CTG-C.
Other names: c.4250_4251del, p.Cys1417fs (NM_001018037.2); c.4367_4368del, p.Cys1456fs (NM_001018038.3, NM_015186.4); short protein forms C1456fs, C1417fs.
Identifiers: ClinVar variation 2749674 (VCV002749674.3), dbSNP rs1340753734, ClinGen allele CA867049705.

ClinVar aggregate classification (germline): Pathogenic (1 of 4 stars; one submission).

Submission:

Labcorp Genetics (formerly Invitae), Labcorp
Classification: Pathogenic. Last evaluated: 2023-05-30. Review status: criteria provided, single submitter. Criteria: Invitae Variant Classification Sherloc (09022015). Collection method: clinical testing. Allele origin: germline.
Comment: For these reasons, this variant has been classified as Pathogenic. This variant has not been reported in the literature in individuals affected with VPS13A-related conditions. This variant is not present in population databases (gnomAD no frequency). This sequence change creates a premature translational stop signal (p.Cys1456Tyrfs*4) in the VPS13A gene. It is expected to result in an absent or disrupted protein product. Loss-of-function variants in VPS13A are known to be pathogenic (PMID: 12404112, 21598378).

Literature cited by the submitters: PubMed 12404112; PubMed 21598378.